The following is an entry in ClinVar:

NM_018900.4(PCDHA1):c.1761G>C (p.Ala587=)

Genes: PCDHA1 (protocadherin alpha 1; plus strand), PCDHA@ (protocadherin alpha cluster, complex locus; plus strand). Cytogenetic location: 5q31.3.
Variant type: single nucleotide variant.
Coding change: c.1761G>C on transcript NM_018900.4 (MANE Select); coding-DNA position 1761, G replaced by C.
Protein change: p.Ala587=; no amino-acid change (alanine 587 retained).
Molecular consequence: synonymous variant. On other transcripts: intron variant (1).
Genome position (GRCh38, 1-based): chr5:140,788,051, G>C. VCF-style: chr5-140788051-G-C. GRCh37 (hg19) VCF-style: chr5-140167636-G-C.
Other names: c.1761G>C, p.Ala587= (NM_031410.3); c.1602+159G>C (NM_031411.3).
Identifiers: ClinVar variation 2655746 (VCV002655746.24), dbSNP rs111466259, ClinGen allele CA3445343.

ClinVar aggregate classification (germline): Likely benign (1 of 4 stars; one submission).

Allele frequency attached by ClinVar (database versions not stated): 1000 Genomes Project 0.00100; 1000 Genomes Project 30x 0.00141; gnomAD 0.00210; ESP Exome Variant Server 0.00238.
gnomAD v4.1: 4,088 of 1,613,990 alleles (0.25%); highest among the groups gnomAD compares: Middle Eastern, 0.33%; 7 homozygotes.

Submission:

CeGaT Center for Human Genetics Tuebingen
Classification: Likely benign. Last evaluated: 2022-12-01. Review status: criteria provided, single submitter. Criteria: CeGaT Center For Human Genetics Tuebingen Variant Classification Criteria Version 2. Collection method: clinical testing. Allele origin: germline. Affected: yes. Observed: 1 variant allele.
Comment: PCDHA1: BP4, BP7